The following is an entry in ClinVar:

ClinVar aggregate classification (germline): Conflicting classifications of pathogenicity. Review status: criteria provided, conflicting classifications (1 of 4 stars). 8 submissions from 8 submitters: Uncertain significance (1); Benign (1); Likely benign (2). 4 of the submissions do not count toward it. Last evaluated 2026-01-28.

Conditions:
HCFC1-related disorder. Also called: HCFC1-related condition.
Methylmalonic acidemia with homocystinuria, type cblX (MAHCX). Also called: INTELLECTUAL DEVELOPMENTAL DISORDER, X-LINKED 3. Identifiers: Orphanet 369962, MedGen C0796208, MONDO:0010657, OMIM 309541.

Allele frequency attached by ClinVar (database versions not stated): ExAC 0.00032; gnomAD exomes 0.00037 and 0.00056; gnomAD 0.00041 and 0.00091; ESP Exome Variant Server 0.00086; TOPMed 0.00101.
gnomAD v4.1: 705 of 1,202,712 alleles (0.059%); highest among the groups gnomAD compares: Non-Finnish European, 0.069%; 1 homozygote.

Submissions (8):

Labcorp Genetics (formerly Invitae), Labcorp
Classification: Benign for Methylmalonic acidemia with homocystinuria, type cblX. Last evaluated: 2026-01-28. Review status: criteria provided, single submitter. Criteria: Invitae Variant Classification Sherloc (09022015). Collection method: clinical testing. Allele origin: germline.

CeGaT Center for Human Genetics Tuebingen
Classification: Likely benign. Last evaluated: 2022-11-01. Review status: criteria provided, single submitter. Criteria: CeGaT Center For Human Genetics Tuebingen Variant Classification Criteria Version 2. Collection method: clinical testing. Allele origin: germline. Affected: yes. Observed: 1 variant allele.
Comment: HCFC1: PP2, BP4, BS2

GeneDx
Classification: Likely benign. Last evaluated: 2017-12-22. Review status: criteria provided, single submitter. Criteria: GeneDx Variant Classification (06012015). Collection method: clinical testing. Allele origin: germline. Affected: yes.
Comment: This variant is considered likely benign or benign based on one or more of the following criteria: it is a conservative change, it occurs at a poorly conserved position in the protein, it is predicted to be benign by multiple in silico algorithms, and/or has population frequency not consistent with disease.

Genetic Services Laboratory, University of Chicago
Classification: Uncertain significance. Last evaluated: 2014-03-27. Review status: criteria provided, single submitter. Criteria: ACMG Guidelines, 2007. Collection method: clinical testing. Allele origin: germline. Inheritance: X-linked inheritance.

PreventionGenetics, part of Exact Sciences
Classification: Likely benign for HCFC1-related condition. Last evaluated: 2020-09-30. Review status: no assertion criteria provided. Collection method: clinical testing. Allele origin: germline. Not counted in ClinVar's aggregate classification.
Comment: This variant is classified as likely benign based on ACMG/AMP sequence variant interpretation guidelines (Richards et al. 2015 PMID: 25741868, with internal and published modifications).

Clinical Genetics DNA and cytogenetics Diagnostics Lab, Erasmus MC, Erasmus Medical Center
Classification: Likely benign. Review status: no assertion criteria provided. Collection method: clinical testing. Allele origin: germline. Affected: yes. Study: VKGL Data-share Consensus. Not counted in ClinVar's aggregate classification.

Genome Diagnostics Laboratory, University Medical Center Utrecht
Classification: Likely benign. Review status: no assertion criteria provided. Collection method: clinical testing. Allele origin: germline. Affected: yes. Study: VKGL Data-share Consensus. Not counted in ClinVar's aggregate classification.

Laboratory of Diagnostic Genome Analysis, Leiden University Medical Center (LUMC)
Classification: Likely benign. Review status: no assertion criteria provided. Collection method: clinical testing. Allele origin: germline. Affected: yes. Study: VKGL Data-share Consensus. Not counted in ClinVar's aggregate classification.

NM_005334.3(HCFC1):c.3290A>C (p.Asn1097Thr)

Gene: HCFC1 (host cell factor C1; minus strand). Cytogenetic location: Xq28.
Variant type: single nucleotide variant.
Coding change: c.3290A>C on transcript NM_005334.3 (MANE Select); coding-DNA position 3290, A replaced by C.
Protein change: p.Asn1097Thr; replaces asparagine 1097 with threonine.
Molecular consequence: missense variant.
Genome position (GRCh38, 1-based): chrX:153,955,109, T>G on the plus strand (A>C on the coding strand, the complement: HCFC1 is on the minus strand). VCF-style: chrX-153955109-T-G. GRCh37 (hg19) VCF-style: chrX-153220560-T-G.
Other names: short protein forms N1097T.
Identifiers: ClinVar variation 129220 (VCV000129220.42), dbSNP rs201404751, ClinGen allele CA231158.
Genomic context (GRCh38, chrX:153,955,109, plus strand): 5'-GTGGTGCCCGTCTCGTGGGTCTCGCAGGGTGGGTTTGAGCAGCCATGCTGCCCGGCCATG[T>G]TGGAGGTGGCGGTGGTGGCGGTGTTGGTGGTGCCCGTCTCGTGGGTCTCGCAGGGCGGGT-3'
Protein context (NP_005325.2, residues 1087-1107): TTNTATTATS[Asn1097Thr]MAGQHGCSNP